The following is an entry in ClinVar:

ClinVar aggregate classification (germline): Uncertain significance (1 of 4 stars; one submission).

Submission:

GeneDx
Classification: Uncertain significance. Last evaluated: 2025-08-15. Review status: criteria provided, single submitter. Criteria: GeneDx Variant Classification Process June 2021. Collection method: clinical testing. Allele origin: germline. Affected: yes.
Comment: Not observed at significant frequency in large population cohorts (gnomAD); In silico analysis supports that this missense variant has a deleterious effect on protein structure/function; Has not been previously published as pathogenic or benign to our knowledge

NM_018075.5(ANO10):c.493G>A (p.Gly165Ser)

Gene: ANO10 (anoctamin 10; minus strand). Cytogenetic location: 3p22.1.
Variant type: single nucleotide variant.
Coding change: c.493G>A on transcript NM_018075.5 (MANE Select); coding-DNA position 493, G replaced by A.
Protein change: p.Gly165Ser; replaces glycine 165 with serine.
Molecular consequence: missense variant.
Genome position (GRCh38, 1-based): chr3:43,580,452, C>T on the plus strand (G>A on the coding strand, the complement: ANO10 is on the minus strand). VCF-style: chr3-43580452-C-T. GRCh37 (hg19) VCF-style: chr3-43621944-C-T.
Other names: c.493G>A, p.Gly165Ser (NM_001204831.3, NM_001204834.3, NM_001346463.2 and 4 more transcripts); c.295G>A, p.Gly99Ser (NM_001204832.3, NM_001346466.2, NM_001346469.2); c.160G>A, p.Gly54Ser (NM_001204833.3); short protein forms G99S, G54S, G165S.
Identifiers: ClinVar variation 4795533 (VCV004795533.1).